The following is an entry in ClinVar:

ClinVar aggregate classification (germline): Uncertain significance. Review status: criteria provided, multiple submitters, no conflicts (2 of 4 stars). 3 submissions from 3 submitters: Uncertain significance (2). 1 of the submissions does not count toward it. Last evaluated 2025-09-11.

Conditions:
Glycogen storage disease type III (GSD3). Also called: Cori disease; FORBES DISEASE. Identifiers: Orphanet 366, MedGen C0017922, MONDO:0009291, OMIM 232400.
Inborn genetic diseases. Identifiers: MedGen C0950123, MeSH D030342.

Allele frequency attached by ClinVar (database versions not stated): ExAC 0.00001; gnomAD exomes 0.00001; gnomAD 0.00003 and 0.00004; TOPMed 0.00005.
gnomAD v4.1: 5 of 1,613,946 alleles (0.00031%); highest among the groups gnomAD compares: African/African-American, 0.0067%; no homozygotes.

Submissions (3):

Ambry Genetics
Classification: Uncertain significance for Inborn genetic diseases. Last evaluated: 2025-09-11. Review status: criteria provided, single submitter. Criteria: Ambry Variant Classification Scheme 2023. Collection method: clinical testing. Allele origin: germline.

Labcorp Genetics (formerly Invitae), Labcorp
Classification: Uncertain significance for Glycogen storage disease type III. Last evaluated: 2022-07-22. Review status: criteria provided, single submitter. Criteria: Invitae Variant Classification Sherloc (09022015). Collection method: clinical testing. Allele origin: germline.
Comment: This sequence change replaces glycine, which is neutral and non-polar, with alanine, which is neutral and non-polar, at codon 417 of the AGL protein (p.Gly417Ala). This variant is present in population databases (rs754419745, gnomAD 0.01%). This variant has not been reported in the literature in individuals affected with AGL-related conditions. ClinVar contains an entry for this variant (Variation ID: 526578). Algorithms developed to predict the effect of missense changes on protein structure and function (SIFT, PolyPhen-2, Align-GVGD) all suggest that this variant is likely to be tolerated. In summary, the available evidence is currently insufficient to determine the role of this variant in disease. Therefore, it has been classified as a Variant of Uncertain Significance.

Natera, Inc.
Classification: Uncertain significance for Glycogen storage disease type III. Last evaluated: 2021-04-07. Review status: no assertion criteria provided. Collection method: clinical testing. Allele origin: germline. Not counted in ClinVar's aggregate classification.

NM_000642.3(AGL):c.1250G>C (p.Gly417Ala)

Gene: AGL (amylo-alpha-1,6-glucosidase and 4-alpha-glucanotransferase; plus strand). Cytogenetic location: 1p21.2.
Variant type: single nucleotide variant.
Coding change: c.1250G>C on transcript NM_000642.3 (MANE Select); coding-DNA position 1250, G replaced by C.
Protein change: p.Gly417Ala; replaces glycine 417 with alanine.
Molecular consequence: missense variant.
Genome position (GRCh38, 1-based): chr1:99,875,422, G>C. VCF-style: chr1-99875422-G-C. GRCh37 (hg19) VCF-style: chr1-100340978-G-C.
Other names: c.1250G>C, p.Gly417Ala (NM_000028.3, NM_000643.3, NM_000644.3 and 2 more transcripts); c.1046G>C, p.Gly349Ala (NM_001425329.1, NM_001425328.1); c.872G>C, p.Gly291Ala (NM_001425332.1); c.1202G>C, p.Gly401Ala (NM_000646.3); short protein forms G417A, G401A, G291A, G349A.
Identifiers: ClinVar variation 526578 (VCV000526578.9), dbSNP rs754419745, ClinGen allele CA966439.